The following is an entry in ClinVar:

ClinVar aggregate classification (germline): Likely benign (1 of 4 stars; one submission).

gnomAD v4.1: 269 of 1,612,746 alleles (0.017%); highest among the groups gnomAD compares: Non-Finnish European, 0.021%; no homozygotes.

Submission:

Mayo Clinic Laboratories, Mayo Clinic
Classification: Likely benign. Last evaluated: 2024-11-25. Review status: criteria provided, single submitter. Criteria: ACMG Guidelines, 2015. Collection method: clinical testing. Allele origin: germline. Observed: 1 variant allele.
Comment: BP4, BP7

NM_000355.4(TCN2):c.*29C>T

Gene: TCN2 (transcobalamin 2; plus strand). Cytogenetic location: 22q12.2.
Variant type: single nucleotide variant.
Coding change: c.*29C>T on transcript NM_000355.4 (MANE Select); 29 bases downstream of the stop codon, C replaced by T.
Molecular consequence: 3 prime UTR variant.
Genome position (GRCh38, 1-based): chr22:30,626,550, C>T. VCF-style: chr22-30626550-C-T. GRCh37 (hg19) VCF-style: chr22-31022537-C-T.
Other names: c.*29C>T (NM_001184726.2).
Identifiers: ClinVar variation 4684476 (VCV004684476.1).